The following is an entry in ClinVar:

ClinVar aggregate classification (germline): Benign/Likely benign. Review status: criteria provided, multiple submitters, no conflicts (2 of 4 stars). 2 submissions from 2 submitters: Benign (1); Likely benign (1). Last evaluated 2026-07-01.

Allele frequency attached by ClinVar (database versions not stated): ESP Exome Variant Server 0.00640; gnomAD exomes 0.00641 and 0.00742; ExAC 0.00679; TOPMed 0.00737; gnomAD 0.00753 and 0.00762; 1000 Genomes Project 30x 0.00859; 1000 Genomes Project 0.00879.
gnomAD v4.1: 10,607 of 1,612,740 alleles (0.66%); highest among the groups gnomAD compares: East Asian, 0.78%; 67 homozygotes.

Submissions (2):

CeGaT Center for Human Genetics Tuebingen
Classification: Likely benign. Last evaluated: 2026-07-01. Review status: criteria provided, single submitter. Criteria: CeGaT Center For Human Genetics Tuebingen Variant Classification Criteria Version 2. Collection method: clinical testing. Allele origin: germline. Affected: yes. Observed: 9 variant alleles.
Comment: SLC39A7: BP4, BP7, BS2

Labcorp Genetics (formerly Invitae), Labcorp
Classification: Benign. Last evaluated: 2026-02-01. Review status: criteria provided, single submitter. Criteria: Invitae Variant Classification Sherloc (09022015). Collection method: clinical testing. Allele origin: germline.

NM_006979.3(SLC39A7):c.744T>C (p.His248=)

Gene: SLC39A7 (solute carrier family 39 member 7; plus strand). Cytogenetic location: 6p21.32.
Variant type: single nucleotide variant.
Coding change: c.744T>C on transcript NM_006979.3 (MANE Select); coding-DNA position 744, T replaced by C.
Protein change: p.His248=; no amino-acid change (histidine 248 retained).
Molecular consequence: synonymous variant.
Genome position (GRCh38, 1-based): chr6:33,202,372, T>C. VCF-style: chr6-33202372-T-C. GRCh37 (hg19) VCF-style: chr6-33170149-T-C.
Other names: c.744T>C, p.His248= (NM_001077516.2); c.369T>C, p.His123= (NM_001288777.2).
Identifiers: ClinVar variation 787824 (VCV000787824.32), dbSNP rs113198103, ClinGen allele CA3752345.